The following is an entry in ClinVar:

NM_170784.3(MKKS):c.624_625del (p.Arg208fs)

Gene: MKKS (MKKS centrosomal shuttling protein; minus strand). Cytogenetic location: 20p12.2.
Variant type: Microsatellite.
Coding change: c.624_625del on transcript NM_170784.3 (MANE Select); coding-DNA positions 624 to 625, 2 bases deleted (AG; older notation c.624_625delAG).
Protein change: p.Arg208fs; shifts the reading frame from arginine 208.
Molecular consequence: frameshift variant.
Genome position (GRCh38, 1-based): chr20:10,412,890-10,412,891, CT deleted on the plus strand (AG on the coding strand, the reverse complement: MKKS is on the minus strand); deleting any 2 consecutive bases within chr20:10,412,890-10,412,893 gives the same sequence; the c. name uses the placement nearest the transcript's 3' end. VCF-style (leftmost placement, unchanged base first): chr20-10412889-ACT-A. GRCh37 (hg19) VCF-style: chr20-10393537-ACT-A.
Other names: c.624_625del, p.Arg208fs (NM_018848.3); short protein forms R208fs.
Identifiers: ClinVar variation 562324 (VCV000562324.5), dbSNP rs762613490, ClinGen allele CA9763655.

ClinVar aggregate classification (germline): Pathogenic/Likely pathogenic. Review status: criteria provided, multiple submitters, no conflicts (2 of 4 stars). 3 submissions from 3 submitters: Pathogenic (1); Likely pathogenic (1). 1 of the submissions does not count toward it. Last evaluated 2025-05-14.

Submissions (3):

GeneDx
Classification: Pathogenic. Last evaluated: 2025-05-14. Review status: criteria provided, single submitter. Criteria: GeneDx Variant Classification Process June 2021. Collection method: clinical testing. Allele origin: germline. Affected: yes.
Comment: Identified in a patient with Bardet-Biedl syndrome 6 in published literature (PMID: 30586318); Frameshift variant predicted to result in protein truncation or nonsense mediated decay in a gene for which loss of function is a known mechanism of disease; Not observed at significant frequency in large population cohorts (gnomAD); This variant is associated with the following publications: (PMID: 31964843, 30586318)

Greenwood Genetic Center Diagnostic Laboratories, Greenwood Genetic Center
Classification: Likely pathogenic. Last evaluated: 2020-08-14. Review status: criteria provided, single submitter. Criteria: ACMG Guidelines, 2015. Collection method: clinical testing. Allele origin: germline. Affected: yes.

Gharavi Laboratory, Columbia University
Classification: Likely pathogenic. Last evaluated: 2018-09-16. Review status: no assertion criteria provided. Criteria: ACMG Guidelines, 2015. Collection method: research. Allele origin: germline. Affected: yes. Not counted in ClinVar's aggregate classification.